The following is an entry in ClinVar:

NM_001384732.1(CPLANE1):c.3577C>T (p.Arg1193Cys)

Gene: CPLANE1 (ciliogenesis and planar polarity effector complex subunit 1; minus strand). Cytogenetic location: 5p13.2.
Variant type: single nucleotide variant.
Coding change: c.3577C>T on transcript NM_001384732.1 (MANE Select); coding-DNA position 3577, C replaced by T.
Protein change: p.Arg1193Cys; replaces arginine 1193 with cysteine.
Molecular consequence: missense variant.
Genome position (GRCh38, 1-based): chr5:37,198,797, G>A on the plus strand (C>T on the coding strand, the complement: CPLANE1 is on the minus strand). VCF-style: chr5-37198797-G-A. GRCh37 (hg19) VCF-style: chr5-37198899-G-A.
Other names: c.3577C>T, p.Arg1193Cys (NM_023073.4); short protein forms R1193C.
Identifiers: ClinVar variation 265062 (VCV000265062.13), dbSNP rs149170427, ClinGen allele CA3238910.

ClinVar aggregate classification (germline): Pathogenic/Likely pathogenic. Review status: criteria provided, multiple submitters, no conflicts (2 of 4 stars). 5 submissions from 5 submitters: Pathogenic (2); Likely pathogenic (2). 1 of the submissions does not count toward it. Last evaluated 2025-04-09.

Conditions:
Joubert syndrome and related disorders. Identifiers: Orphanet 140874, MedGen C5679612, MONDO:0015369.
Orofaciodigital syndrome type 6 (OFD6). Also called: OROFACIODIGITAL SYNDROME VI; OFDS VI; POLYDACTYLY, CLEFT LIP/PALATE OR LINGUAL LUMP, AND PSYCHOMOTOR RETARDATION; VARADI SYNDROME; VARADI-PAPP SYNDROME; Oral-facial-digital syndrome type 6. Identifiers: Orphanet 2754, MedGen C2745997, MONDO:0010176, OMIM 277170.
Joubert syndrome 17 (JBTS17). Identifiers: Orphanet 475, MedGen C3553264, MONDO:0013824, OMIM 614615.

Allele frequency attached by ClinVar (database versions not stated): ExAC 0.00001; TOPMed 0.00001; gnomAD 0.00002 and 0.00003; gnomAD exomes 0.00002; 1000 Genomes Project 30x 0.00031; 1000 Genomes Project 0.00040.
gnomAD v4.1: 30 of 1,613,954 alleles (0.0019%); highest among the groups gnomAD compares: East Asian, 0.047%; no homozygotes.

Submissions (5):

Women's Health and Genetics/Laboratory Corporation of America, LabCorp
Classification: Pathogenic for Joubert syndrome and related disorders. Last evaluated: 2025-04-09. Review status: criteria provided, single submitter. Criteria: LabCorp Variant Classification Summary - May 2015. Collection method: clinical testing. Allele origin: germline.
Comment: Variant summary: CPLANE1 c.3577C>T (p.Arg1193Cys) results in a non-conservative amino acid change in the encoded protein sequence. Four of five in-silico tools predict a damaging effect of the variant on protein function. The variant allele was found at a frequency of 1.9e-05 in 1613954 control chromosomes. This frequency is not significantly higher than estimated for a pathogenic variant in CPLANE1 causing Joubert Syndrome And Related Disorders (1.9e-05 vs 0.0015), allowing no conclusion about variant significance. c.3577C>T has been reported in the literature in multiple individuals affected with Joubert Syndrome And Related Disorders (e.g. Ohba_2013, Lopez_2014, Suzuki_2016, Enokizono_2017, Aksu Uzunhan_2023). These data indicate that the variant is very likely to be associated with disease. To our knowledge, no experimental evidence demonstrating an impact on protein function has been reported. The following publications have been ascertained in the context of this evaluation (PMID: 36580738, 28431631, 24178751, 24091540, 27434533). ClinVar contains an entry for this variant (Variation ID: 265062). Based on the evidence outlined above, the variant was classified as pathogenic.

Labcorp Genetics (formerly Invitae), Labcorp
Classification: Pathogenic. Last evaluated: 2022-09-29. Review status: criteria provided, single submitter. Criteria: Invitae Variant Classification Sherloc (09022015). Collection method: clinical testing. Allele origin: germline.
Comment: For these reasons, this variant has been classified as Pathogenic. Algorithms developed to predict the effect of sequence changes on RNA splicing suggest that this variant may create or strengthen a splice site. Advanced modeling of protein sequence and biophysical properties (such as structural, functional, and spatial information, amino acid conservation, physicochemical variation, residue mobility, and thermodynamic stability) performed at Invitae indicates that this missense variant is expected to disrupt CPLANE1 protein function. ClinVar contains an entry for this variant (Variation ID: 265062). This missense change has been observed in individual(s) with clinical features of Joubert syndrome (PMID: 24091540, 24178751, 28431631). This variant is present in population databases (rs149170427, gnomAD 0.006%). This sequence change replaces arginine, which is basic and polar, with cysteine, which is neutral and slightly polar, at codon 1193 of the CPLANE1 protein (p.Arg1193Cys).

Broad Center for Mendelian Genomics, Broad Institute of MIT and Harvard
Classification: Likely pathogenic for Joubert syndrome 17. Last evaluated: 2018-12-03. Review status: criteria provided, single submitter. Criteria: ACMG Guidelines, 2015. Collection method: research. Allele origin: germline. Inheritance: Autosomal recessive inheritance. Affected: yes.
Comment: This variant has been identified in 0.005798% (1/17248) of East Asian chromosomes by the Genome Aggregation Database (gnomAD; dbSNP rs149170427). Although this variant has been seen in the general population, its frequency is low enough to be consistent with a recessive carrier frequency. Computational prediction tools do not provide strong support for or against an impact to the protein. The p.Arg1193Cys variant in C5orf42 has been reported in 6 unrelated Japanese individuals with Joubert syndrome, including 2 individuals with the variant in the homozygous state and 4 individuals with the variant in the compound heterozygous state (PMID: 24091540, 24178751, 27434533, 28431631). The presence of this variant in combination with 4 unique variants (1 reported by our study, 1 reported pathogenic in ClinVar, 2 reported in the literature) and in an individual with Joubert syndrome increases the likelihood that the p.Arg1193Cys variant is pathogenic. In summary, although additional studies are required to fully establish its clinical significance, the p.Arg1193Cys variant is likely pathogenic. ACMG/AMP Criteria applied: PM2, PM3_Strong (Richards 2015).

GeneDx
Classification: Likely pathogenic. Last evaluated: 2016-07-13. Review status: criteria provided, single submitter. Criteria: GeneDx Variant Classification (06012015). Collection method: clinical testing. Allele origin: germline. Affected: yes.
Comment: The R1193C variant in the C5orf42 gene has been reported previously in the presence of another C5orf42 variants in unrelated individuals with clinical diagnoses of OFD IV and Joubert syndrome (Lopez et al., 2014; Ohba et al., 2013). The R1193C variant was not observed in approximately 6500 individuals of European and African American ancestry in the NHLBI Exome Sequencing Project, indicating it is not a common benign variant in these populations. The R1193C variant is a non-conservative amino acid substitution, which is likely to impact secondary protein structure as these residues differ in polarity, charge, size and/or other properties. This substitution occurs at a position that is conserved across species and in silico analysis predicts this variant is probably damaging to the protein structure/function. Therefore, we interpret R1193C as a likely pathogenic variant.

Department of Pediatrics, Taizhou Central Hospital, Taizhou University Hospital
Classification: Likely pathogenic for Orofaciodigital syndrome type 6. Last evaluated: 2024-02-01. Review status: no assertion criteria provided. Collection method: clinical testing. Allele origin: paternal. Affected: yes. Observed: 1 variant allele. Not counted in ClinVar's aggregate classification.

Literature cited by the submitters: PubMed 27434533 (cited by Women's Health and Genetics/Laboratory Corporation of America, LabCorp and Broad Center for Mendelian Genomics, Broad Institute of MIT and Harvard); PubMed 24091540 (cited by 3 submitters); PubMed 28431631 (cited by 3 submitters); PubMed 36580738 (cited by Women's Health and Genetics/Laboratory Corporation of America, LabCorp); PubMed 24178751 (cited by 3 submitters).